The following is an entry in ClinVar:

NM_001329943.3(KIAA0586):c.*10G>A

Gene: KIAA0586 (KIAA0586; plus strand). Cytogenetic location: 14q23.1.
Variant type: single nucleotide variant.
Coding change: c.*10G>A on transcript NM_001329943.3 (MANE Select); 10 bases downstream of the stop codon, G replaced by A.
Molecular consequence: 3 prime UTR variant. On other transcripts: missense variant (2).
Genome position (GRCh38, 1-based): chr14:58,547,942, G>A. VCF-style: chr14-58547942-G-A. GRCh37 (hg19) VCF-style: chr14-59014660-G-A.
Other names: c.4901G>A, p.Arg1634Lys (NM_001244189.2); c.*10G>A (NM_001244190.2, NM_001244191.2, NM_001244192.2 and 5 more transcripts); c.4742G>A, p.Arg1581Lys (NM_001329944.2); short protein forms R1634K, R1581K.
Identifiers: ClinVar variation 1503581 (VCV001503581.8), dbSNP rs1280881561, ClinGen allele CA390059658.

ClinVar aggregate classification (germline): Uncertain significance (1 of 4 stars; one submission).

Conditions:
Short-rib thoracic dysplasia 14 with polydactyly (SRTD14). Identifiers: Orphanet 397715, MedGen C4225286, MONDO:0014688, OMIM 616546.
Joubert syndrome 23 (JBTS23). Identifiers: Orphanet 475, MedGen C4084822, MONDO:0014664, OMIM 616490.

Allele frequency attached by ClinVar (database versions not stated): gnomAD exomes below 0.00001 and 0.00001; gnomAD 0.00001.
gnomAD v4.1: 17 of 1,613,186 alleles (0.0011%); highest among the groups gnomAD compares: Non-Finnish European, 0.0014%; no homozygotes.

Submission:

Labcorp Genetics (formerly Invitae), Labcorp
Classification: Uncertain significance for Joubert syndrome 23; Short-rib thoracic dysplasia 14 with polydactyly. Last evaluated: 2024-11-14. Review status: criteria provided, single submitter. Criteria: Invitae Variant Classification Sherloc (09022015). Collection method: clinical testing. Allele origin: germline.
Comment: This sequence change replaces arginine, which is basic and polar, with lysine, which is basic and polar, at codon 1634 of the KIAA0586 protein (p.Arg1634Lys). The frequency data for this variant in the population databases is considered unreliable, as metrics indicate poor data quality at this position in the gnomAD database. This variant has not been reported in the literature in individuals affected with KIAA0586-related conditions. ClinVar contains an entry for this variant (Variation ID: 1503581). An algorithm developed to predict the effect of missense changes on protein structure and function (PolyPhen-2) suggests that this variant is likely to be tolerated. In summary, the available evidence is currently insufficient to determine the role of this variant in disease. Therefore, it has been classified as a Variant of Uncertain Significance.